The following is an entry in ClinVar:

ClinVar aggregate classification (germline): Benign. Review status: criteria provided, single submitter (1 of 4 stars). 2 submissions from 2 submitters: Benign (1). 1 of the submissions does not count toward it. Last evaluated 2026-06-01.

Conditions:
ARF1-related disorder. Also called: ARF1-related condition.

Allele frequency attached by ClinVar (database versions not stated): gnomAD exomes 0.00097; ExAC 0.00275; ESP Exome Variant Server 0.00308; gnomAD 0.00336; TOPMed 0.00383; 1000 Genomes Project 0.00579; 1000 Genomes Project 30x 0.00625.
gnomAD v4.1: 1,959 of 1,614,194 alleles (0.12%); highest among the groups gnomAD compares: East Asian, 1.1%; 18 homozygotes.

Submissions (2):

CeGaT Center for Human Genetics Tuebingen
Classification: Benign. Last evaluated: 2026-06-01. Review status: criteria provided, single submitter. Criteria: CeGaT Center For Human Genetics Tuebingen Variant Classification Criteria Version 2. Collection method: clinical testing. Allele origin: germline. Affected: yes. Observed: 1 variant allele.
Comment: ARF1: BP4, BP7, BS1, BS2

PreventionGenetics, part of Exact Sciences
Classification: Likely benign for ARF1-related condition. Last evaluated: 2024-08-07. Review status: no assertion criteria provided. Collection method: clinical testing. Allele origin: germline. Not counted in ClinVar's aggregate classification.
Comment: This variant is classified as likely benign based on ACMG/AMP sequence variant interpretation guidelines (Richards et al. 2015 PMID: 25741868, with internal and published modifications).

NM_001658.4(ARF1):c.477C>T (p.Cys159=)

Genes: ARF1 (ARF GTPase 1; plus strand), LOC126806039 (CDK7 strongly-dependent group 2 enhancer GRCh37_chr1:228284937-228286136; plus strand). Cytogenetic location: 1q42.13.
Variant type: single nucleotide variant.
Coding change: c.477C>T on transcript NM_001658.4 (MANE Select); coding-DNA position 477, C replaced by T.
Protein change: p.Cys159=; no amino-acid change (cysteine 159 retained).
Molecular consequence: synonymous variant.
Genome position (GRCh38, 1-based): chr1:228,097,944, C>T. VCF-style: chr1-228097944-C-T. GRCh37 (hg19) VCF-style: chr1-228285645-C-T.
Other names: c.477C>T, p.Cys159= (NM_001024226.2, NM_001024227.1, NM_001024228.2).
Identifiers: ClinVar variation 3039147 (VCV003039147.4), dbSNP rs61737797, ClinGen allele CA1429772.
Genomic context (GRCh38, chr1:228,097,944, plus strand): 5'-CACAGACAAGCTGGGGCTGCACTCACTACGCCACAGGAACTGGTACATTCAGGCCACCTG[C>T]GCCACCAGCGGCGACGGGCTCTATGAAGGACTGGACTGGCTGTCCAATCAGCTCCGGAAC-3'
Protein context (NP_001649.1, residues 149-169): RHRNWYIQAT[Cys159=]ATSGDGLYEG